The following is an entry in ClinVar:

ClinVar aggregate classification (germline): Uncertain significance. Review status: criteria provided, multiple submitters, no conflicts (2 of 4 stars). 2 submissions from 2 submitters: Uncertain significance (2). Last evaluated 2024-05-28.

Conditions:
Hypertrophic cardiomyopathy. Also called: HYPERTROPHIC MYOCARDIOPATHY. Identifiers: Orphanet 217569, MedGen C0007194, MeSH D002312, MONDO:0005045, HP:0001639.

Submissions (2):

Labcorp Genetics (formerly Invitae), Labcorp
Classification: Uncertain significance for Hypertrophic cardiomyopathy. Last evaluated: 2024-05-28. Review status: criteria provided, single submitter. Criteria: Invitae Variant Classification Sherloc (09022015). Collection method: clinical testing. Allele origin: germline.
Comment: This sequence change replaces isoleucine, which is neutral and non-polar, with methionine, which is neutral and non-polar, at codon 867 of the MYBPC3 protein (p.Ile867Met). This variant is not present in population databases (gnomAD no frequency). This variant has not been reported in the literature in individuals affected with MYBPC3-related conditions. ClinVar contains an entry for this variant (Variation ID: 2137072). An algorithm developed to predict the effect of missense changes on protein structure and function (PolyPhen-2) suggests that this variant is likely to be disruptive. In summary, the available evidence is currently insufficient to determine the role of this variant in disease. Therefore, it has been classified as a Variant of Uncertain Significance.

All of Us Research Program, National Institutes of Health
Classification: Uncertain significance for Hypertrophic cardiomyopathy. Last evaluated: 2023-09-05. Review status: criteria provided, single submitter. Criteria: ACMG Guidelines, 2015. Collection method: clinical testing. Allele origin: germline. Inheritance: Autosomal dominant inheritance. Observed: 1 variant allele, 1 heterozygote.
Comment: This study involves interpretation of variants in research participants for the purpose of population health screening. Participant phenotype was not available at the time of variant classification. Additional details can be found in publication PMID: 35346344, PMCID: PMC8962531

NM_000256.3(MYBPC3):c.2601C>G (p.Ile867Met)

Gene: MYBPC3 (myosin binding protein C3; minus strand). Cytogenetic location: 11p11.2.
Variant type: single nucleotide variant.
Coding change: c.2601C>G on transcript NM_000256.3 (MANE Select); coding-DNA position 2601, C replaced by G.
Protein change: p.Ile867Met; replaces isoleucine 867 with methionine.
Molecular consequence: missense variant.
Genome position (GRCh38, 1-based): chr11:47,337,392, G>C on the plus strand (C>G on the coding strand, the complement: MYBPC3 is on the minus strand). VCF-style: chr11-47337392-G-C. GRCh37 (hg19) VCF-style: chr11-47358943-G-C.
Other names: short protein forms I867M.
Identifiers: ClinVar variation 2137072 (VCV002137072.5), dbSNP rs11570097, ClinGen allele CA380317967.